The following is an entry in ClinVar:

NM_004606.5(TAF1):c.4994T>C (p.Val1665Ala)

Gene: TAF1 (TATA-box binding protein associated factor 1; plus strand). Cytogenetic location: Xq13.1.
Variant type: single nucleotide variant.
Coding change: c.4994T>C on transcript NM_004606.5 (MANE Select); coding-DNA position 4994, T replaced by C.
Protein change: p.Val1665Ala; replaces valine 1665 with alanine.
Molecular consequence: missense variant. On other transcripts: non-coding transcript variant (9).
Genome position (GRCh38, 1-based): chrX:71,458,296, T>C. VCF-style: chrX-71458296-T-C. GRCh37 (hg19) VCF-style: chrX-70678146-T-C.
Other names: c.5000T>C, p.Val1667Ala (NM_001286074.2); c.4994T>C, p.Val1665Ala (NM_001440852.1, NM_001440853.1); c.4931T>C, p.Val1644Ala (NM_001440854.1, NM_138923.4); short protein forms V1644A, V1667A, V1665A.
Identifiers: ClinVar variation 4747678 (VCV004747678.1).

ClinVar aggregate classification (germline): Uncertain significance (1 of 4 stars; one submission).

gnomAD v4.1: 3 of 1,210,418 alleles (0.00025%); highest among the groups gnomAD compares: African/African-American, 0.0052%; no homozygotes.

Submission:

Labcorp Genetics (formerly Invitae), Labcorp
Classification: Uncertain significance. Last evaluated: 2025-04-04. Review status: criteria provided, single submitter. Criteria: Invitae Variant Classification Sherloc (09022015). Collection method: clinical testing. Allele origin: germline.
Comment: This sequence change replaces valine, which is neutral and non-polar, with alanine, which is neutral and non-polar, at codon 1685 of the TAF1 protein (p.Val1685Ala). This variant is present in population databases (no rsID available, gnomAD 0.005%), including at least one homozygous and/or hemizygous individual. This variant has not been reported in the literature in individuals affected with TAF1-related conditions. Invitae Evidence Modeling of protein sequence and biophysical properties (such as structural, functional, and spatial information, amino acid conservation, physicochemical variation, residue mobility, and thermodynamic stability) indicates that this missense variant is not expected to disrupt TAF1 protein function with a negative predictive value of 80%. In summary, the available evidence is currently insufficient to determine the role of this variant in disease. Therefore, it has been classified as a Variant of Uncertain Significance.